The following is an entry in ClinVar:

ClinVar aggregate classification (germline): Benign (0 of 4 stars; one submission).

Conditions:
DCC-related disorder. Also called: DCC-related condition.

Allele frequency attached by ClinVar (database versions not stated): TOPMed 0.00019; gnomAD 0.00043; ExAC 0.00105; 1000 Genomes Project 30x 0.00250; 1000 Genomes Project 0.00300.
gnomAD v4.1: 1,354 of 1,614,034 alleles (0.084%); highest among the groups gnomAD compares: East Asian, 2.7%; 26 homozygotes.

Submission:

PreventionGenetics, part of Exact Sciences
Classification: Benign for DCC-related condition. Last evaluated: 2019-06-30. Review status: no assertion criteria provided. Collection method: clinical testing. Allele origin: germline.
Comment: This variant is classified as benign based on ACMG/AMP sequence variant interpretation guidelines (Richards et al. 2015 PMID: 25741868, with internal and published modifications).

NM_005215.4(DCC):c.2277T>G (p.Ile759Met)

Gene: DCC (DCC netrin 1 receptor; plus strand). Cytogenetic location: 18q21.2.
Variant type: single nucleotide variant.
Coding change: c.2277T>G on transcript NM_005215.4 (MANE Select); coding-DNA position 2277, T replaced by G.
Protein change: p.Ile759Met; replaces isoleucine 759 with methionine.
Molecular consequence: missense variant.
Genome position (GRCh38, 1-based): chr18:53,339,825, T>G. VCF-style: chr18-53339825-T-G. GRCh37 (hg19) VCF-style: chr18-50866195-T-G.
Other names: short protein forms I759M.
Identifiers: ClinVar variation 3042915 (VCV003042915.2), dbSNP rs2278339, ClinGen allele CA8967140.